The following is an entry in ClinVar:

ClinVar aggregate classification (germline): Uncertain significance (1 of 4 stars; one submission).

Conditions:
Ehlers-Danlos syndrome, classic type, 1 (EDSCL1). Also called: EHLERS-DANLOS SYNDROME, GRAVIS TYPE; EHLERS-DANLOS SYNDROME, SEVERE CLASSIC TYPE; Ehlers-Danlos syndrome, type 1; Ehlers-Danlos Syndrome, Classic Type, COL5A1-Related; EDS I. Identifiers: MedGen C0268335, MONDO:0019567, OMIM 130000.

Submission:

Labcorp Genetics (formerly Invitae), Labcorp
Classification: Uncertain significance for Ehlers-Danlos syndrome, classic type, 1. Last evaluated: 2025-10-01. Review status: criteria provided, single submitter. Criteria: Invitae Variant Classification Sherloc (09022015). Collection method: clinical testing. Allele origin: germline.
Comment: This sequence change replaces leucine, which is neutral and non-polar, with histidine, which is basic and polar, at codon 679 of the COL5A2 protein (p.Leu679His). This variant is not present in population databases (gnomAD no frequency). This variant has not been reported in the literature in individuals affected with COL5A2-related conditions. ClinVar contains an entry for this variant (Variation ID: 3729326). Invitae Evidence Modeling of protein sequence and biophysical properties (such as structural, functional, and spatial information, amino acid conservation, physicochemical variation, residue mobility, and thermodynamic stability) indicates that this missense variant is not expected to disrupt COL5A2 protein function with a negative predictive value of 80%. In summary, the available evidence is currently insufficient to determine the role of this variant in disease. Therefore, it has been classified as a Variant of Uncertain Significance.

NM_000393.5(COL5A2):c.2036T>A (p.Leu679His)

Gene: COL5A2 (collagen type V alpha 2 chain; minus strand). Cytogenetic location: 2q32.2.
Variant type: single nucleotide variant.
Coding change: c.2036T>A on transcript NM_000393.5 (MANE Select); coding-DNA position 2036, T replaced by A.
Protein change: p.Leu679His; replaces leucine 679 with histidine.
Molecular consequence: missense variant.
Genome position (GRCh38, 1-based): chr2:189,060,779, A>T on the plus strand (T>A on the coding strand, the complement: COL5A2 is on the minus strand). VCF-style: chr2-189060779-A-T. GRCh37 (hg19) VCF-style: chr2-189925505-A-T.
Other names: short protein forms L679H.
Identifiers: ClinVar variation 3729326 (VCV003729326.2).
Genomic context (GRCh38, chr2:189,060,779, plus strand): 5'-TAAACACTTACTTGATCACCTGGTTTTCCACCTTCTCCAGGAGGCCCTGGAGGACCAGGA[A>T]GCCCCTAAAACAAAAGTAAGAAAATAAAATTGTGAATCTGTGTAAGTTTAACAGGCTACC-3'
Protein context (NP_000384.2, residues 669-689): GPPGPTGFQG[Leu679His]PGPPGPPGEG